The following is an entry in ClinVar:

NM_001206999.2(CIT):c.3361G>A (p.Asp1121Asn)

Gene: CIT (citron rho-interacting serine/threonine kinase; minus strand). Cytogenetic location: 12q24.23.
Variant type: single nucleotide variant.
Coding change: c.3361G>A on transcript NM_001206999.2 (MANE Select); coding-DNA position 3361, G replaced by A.
Protein change: p.Asp1121Asn; replaces aspartic acid 1121 with asparagine.
Molecular consequence: missense variant.
Genome position (GRCh38, 1-based): chr12:119,730,620, C>T on the plus strand (G>A on the coding strand, the complement: CIT is on the minus strand). VCF-style: chr12-119730620-C-T. GRCh37 (hg19) VCF-style: chr12-120168425-C-T.
Other names: c.3235G>A, p.Asp1079Asn (NM_007174.3); short protein forms D1079N, D1121N.
Identifiers: ClinVar variation 1313610 (VCV001313610.2), dbSNP rs1489483077, ClinGen allele CA386549762.

ClinVar aggregate classification (germline): Uncertain significance (1 of 4 stars; one submission).

Allele frequency attached by ClinVar (database versions not stated): gnomAD exomes 0.00001.
gnomAD v4.1: 8 of 1,613,680 alleles (0.0005%); highest among the groups gnomAD compares: East Asian, 0.0022%; no homozygotes.

Submission:

GeneDx
Classification: Uncertain significance. Last evaluated: 2020-10-26. Review status: criteria provided, single submitter. Criteria: GeneDx Variant Classification Process June 2021. Collection method: clinical testing. Allele origin: germline. Affected: yes.
Comment: Not observed at a significant frequency in large population cohorts (Lek et al., 2016); In silico analysis supports that this missense variant has a deleterious effect on protein structure/function; Has not been previously published as pathogenic or benign to our knowledge